The following is an entry in ClinVar:

NM_000051.4(ATM):c.3147_3153delinsTTGCATTTTTTTA (p.Leu1049_Glu1051delinsPheCysIlePheLeu)

Gene: ATM (ATM serine/threonine kinase; plus strand). Cytogenetic location: 11q22.3.
Variant type: Indel.
Coding change: c.3147_3153delinsTTGCATTTTTTTA on transcript NM_000051.4 (MANE Select); coding-DNA positions 3147 to 3153, GCTTGAG replaced by TTGCATTTTTTTA.
Protein change: p.Leu1049_Glu1051delinsPheCysIlePheLeu.
Molecular consequence: inframe indel.
Genome position (GRCh38, 1-based): chr11:108,272,601-108,272,607, GCTTGAG replaced by TTGCATTTTTTTA. VCF-style: chr11-108272601-GCTTGAG-TTGCATTTTTTTA. GRCh37 (hg19) VCF-style: chr11-108143328-GCTTGAG-TTGCATTTTTTTA.
Other names: c.3147_3153delinsTTGCATTTTTTTA, p.Leu1049_Glu1051delinsPheCysIlePheLeu (NM_001351834.2).
Identifiers: ClinVar variation 3326163 (VCV003326163.1).

ClinVar aggregate classification (germline): Likely pathogenic (1 of 4 stars; one submission).

Conditions:
Hereditary cancer-predisposing syndrome. Also called: Neoplastic Syndromes, Hereditary; Tumor predisposition; Hereditary neoplastic syndrome; Hereditary Cancer Syndrome. Identifiers: Orphanet 140162, MedGen C0027672, MeSH D009386, MONDO:0015356.

Submission:

Ambry Genetics
Classification: Likely pathogenic for Hereditary cancer-predisposing syndrome. Last evaluated: 2024-05-23. Review status: criteria provided, single submitter. Criteria: Ambry Variant Classification Scheme 2023. Collection method: clinical testing. Allele origin: germline.
Comment: The c.3147_3153delGCTTGAGins13 variant, located in coding exon 20 of the ATM gene, results from an in-frame deletion of GCTTGAG and insertion of TTGCATTTTTTTA at nucleotide positions 3147 to 3153. Alterations that disrupt the canonical splice site are expected to cause aberrant splicing, resulting in an abnormal protein or a transcript that is subject to nonsense-mediated mRNA decay. RNA studies have demonstrated that this alteration results in abnormal splicing in the set of samples tested (Ambry internal data). As such, this alteration is classified as likely pathogenic.